The following is an entry in ClinVar:

NM_001242896.3(DEPDC5):c.3934C>T (p.Leu1312Phe)

Gene: DEPDC5 (DEP domain containing 5, GATOR1 subcomplex subunit; plus strand). Cytogenetic location: 22q12.3.
Variant type: single nucleotide variant.
Coding change: c.3934C>T on transcript NM_001242896.3 (MANE Select); coding-DNA position 3934, C replaced by T.
Protein change: p.Leu1312Phe; replaces leucine 1312 with phenylalanine.
Molecular consequence: missense variant. On other transcripts: non-coding transcript variant (5).
Genome position (GRCh38, 1-based): chr22:31,879,653, C>T. VCF-style: chr22-31879653-C-T. GRCh37 (hg19) VCF-style: chr22-32275639-C-T.
Other names: c.3907C>T, p.Leu1303Phe (NM_001136029.4); c.3634C>T, p.Leu1212Phe (NM_001242897.2); c.3868C>T, p.Leu1290Phe (NM_001363852.2, NM_001364320.2); c.3700C>T, p.Leu1234Phe (NM_001363854.2, NM_001364319.2); c.3934C>T, p.Leu1312Phe (NM_001364318.2); c.3850C>T, p.Leu1284Phe (NM_001369901.1, NM_001369902.1); c.3841C>T, p.Leu1281Phe (NM_001369903.1, NM_014662.6); short protein forms L1212F, L1234F, L1281F, L1284F, L1290F, L1303F, L1312F.
Identifiers: ClinVar variation 1010503 (VCV001010503.10), dbSNP rs2093121640, ClinGen allele CA411282455.
Genomic context (GRCh38, chr22:31,879,653, plus strand): 5'-AAGTGGTTTGAGGTGGCCTTTGTGGCAGAAGAGCTCGTGCACTCTGAGATTCCTGCCTTT[C>T]TCCTGCCCTGGCTGCCTAGCCGGCCAGCCTCCTATGCAAGTAGGCACAGCTCCTTTAGCC-3'
Protein context (NP_001229825.1, residues 1302-1322): ELVHSEIPAF[Leu1312Phe]LPWLPSRPAS

ClinVar aggregate classification (germline): Uncertain significance (1 of 4 stars; one submission).

Conditions:
Familial focal epilepsy with variable foci (FPEVF). Identifiers: Orphanet 98820, MedGen C1858477, MONDO:0020310.

Allele frequency attached by ClinVar (database versions not stated): gnomAD exomes below 0.00001.
gnomAD v4.1: 1 of 1,614,154 alleles (0.000062%); highest among the groups gnomAD compares: Non-Finnish European, 0.000085%; no homozygotes.

Submission:

Labcorp Genetics (formerly Invitae), Labcorp
Classification: Uncertain significance for Familial focal epilepsy with variable foci. Last evaluated: 2022-03-03. Review status: criteria provided, single submitter. Criteria: Invitae Variant Classification Sherloc (09022015). Collection method: clinical testing. Allele origin: germline.
Comment: In summary, the available evidence is currently insufficient to determine the role of this variant in disease. Therefore, it has been classified as a Variant of Uncertain Significance. Algorithms developed to predict the effect of missense changes on protein structure and function are either unavailable or do not agree on the potential impact of this missense change (SIFT: "Tolerated"; PolyPhen-2: "Not Available"; Align-GVGD: "Class C0"). ClinVar contains an entry for this variant (Variation ID: 1010503). This variant has not been reported in the literature in individuals affected with DEPDC5-related conditions. This variant is not present in population databases (gnomAD no frequency). This sequence change replaces leucine, which is neutral and non-polar, with phenylalanine, which is neutral and non-polar, at codon 1312 of the DEPDC5 protein (p.Leu1312Phe).